The following is an entry in ClinVar:

NM_001035.3(RYR2):c.5247A>G (p.Pro1749=)

Gene: RYR2 (ryanodine receptor 2; plus strand). Cytogenetic location: 1q43.
Variant type: single nucleotide variant.
Coding change: c.5247A>G on transcript NM_001035.3 (MANE Select); coding-DNA position 5247, A replaced by G.
Protein change: p.Pro1749=; no amino-acid change (proline 1749 retained).
Molecular consequence: synonymous variant.
Genome position (GRCh38, 1-based): chr1:237,614,375, A>G. VCF-style: chr1-237614375-A-G. GRCh37 (hg19) VCF-style: chr1-237777675-A-G.
Identifiers: ClinVar variation 1159400 (VCV001159400.16), dbSNP rs779576294, ClinGen allele CA086857.

ClinVar aggregate classification (germline): Likely benign. Review status: criteria provided, multiple submitters, no conflicts (2 of 4 stars). 5 submissions from 5 submitters: Likely benign (5). Last evaluated 2025-10-09.

Conditions:
Cardiovascular phenotype. Identifiers: MedGen CN230736.
Cardiomyopathy (CMYO). Also called: Cardiomyopathies. Identifiers: Orphanet 167848, MedGen C0878544, MONDO:0004994, HP:0001638. Inheritance: Various modes of inheritance.
Catecholaminergic polymorphic ventricular tachycardia (CVPT). Also called: Catecholamine-induced polymorphic ventricular tachycardia. Identifiers: Orphanet 3286, MedGen C5574922, MONDO:0017990.
Catecholaminergic polymorphic ventricular tachycardia 1. Also called: VENTRICULAR TACHYCARDIA, STRESS-INDUCED POLYMORPHIC 1; VENTRICULAR TACHYCARDIA, CATECHOLAMINERGIC POLYMORPHIC, 1, WITH OR WITHOUT ATRIAL DYSFUNCTION AND/OR DILATED CARDIOMYOPATHY; RYR2-Related Catecholaminergic Polymorphic Ventricular Tachycardia. Identifiers: Orphanet 3286, MedGen C1631597, MONDO:0011484, OMIM 604772.

Allele frequency attached by ClinVar (database versions not stated): gnomAD 0.00001; TOPMed 0.00001; gnomAD exomes 0.00002; ExAC 0.00003.
gnomAD v4.1: 27 of 1,613,908 alleles (0.0017%); highest among the groups gnomAD compares: Non-Finnish European, 0.0022%; no homozygotes.

Submissions (5):

Labcorp Genetics (formerly Invitae), Labcorp
Classification: Likely benign for Catecholaminergic polymorphic ventricular tachycardia 1. Last evaluated: 2025-10-09. Review status: criteria provided, single submitter. Criteria: Invitae Variant Classification Sherloc (09022015). Collection method: clinical testing. Allele origin: germline.

Blueprint Genetics
Classification: Likely benign. Last evaluated: 2024-09-05. Review status: criteria provided, single submitter. Criteria: ACMG Guidelines, 2015. Collection method: clinical testing. Allele origin: germline.

All of Us Research Program, National Institutes of Health
Classification: Likely benign for Catecholaminergic polymorphic ventricular tachycardia. Last evaluated: 2023-12-18. Review status: criteria provided, single submitter. Criteria: ACMG Guidelines, 2015. Collection method: clinical testing. Allele origin: germline. Inheritance: Autosomal dominant inheritance. Observed: 7 variant alleles, 7 heterozygotes.
Comment: This study involves interpretation of variants in research participants for the purpose of population health screening. Participant phenotype was not available at the time of variant classification. Additional details can be found in publication PMID: 35346344, PMCID: PMC8962531

Color Diagnostics, LLC DBA Color Health
Classification: Likely benign for Cardiomyopathy. Last evaluated: 2021-10-12. Review status: criteria provided, single submitter. Criteria: ACMG Guidelines, 2015. Collection method: clinical testing. Allele origin: germline.

Ambry Genetics
Classification: Likely benign for Cardiovascular phenotype. Last evaluated: 2021-09-03. Review status: criteria provided, single submitter. Criteria: Ambry Variant Classification Scheme 2023. Collection method: clinical testing. Allele origin: germline.